The following is an entry in ClinVar:

NM_017617.5(NOTCH1):c.1670-2A>T

Gene: NOTCH1 (notch receptor 1; minus strand). Cytogenetic location: 9q34.3.
Variant type: single nucleotide variant.
Coding change: c.1670-2A>T on transcript NM_017617.5 (MANE Select); the canonical splice acceptor site of the intron before coding-DNA position 1670, A replaced by T.
Molecular consequence: splice acceptor variant.
Genome position (GRCh38, 1-based): chr9:136,515,718, T>A on the plus strand (A>T on the coding strand, the complement: NOTCH1 is on the minus strand). VCF-style: chr9-136515718-T-A. GRCh37 (hg19) VCF-style: chr9-139410170-T-A.
Identifiers: ClinVar variation 3068409 (VCV003068409.1), dbSNP rs2133364454, ClinGen allele CA375560614.

ClinVar aggregate classification (germline): Likely pathogenic (1 of 4 stars; one submission).

Conditions:
Adams-Oliver syndrome 5 (AOS5). Identifiers: Orphanet 974, MedGen C4014970, MONDO:0014459, OMIM 616028.

Submission:

MVZ Medizinische Genetik Mainz
Classification: Likely pathogenic for Adams-Oliver syndrome 5. Last evaluated: 2022-11-28. Review status: criteria provided, single submitter. Criteria: UK Practice Guidelines For Variant Classification V4 01 2020. Collection method: clinical testing. Allele origin: germline. Inheritance: Autosomal dominant inheritance. Affected: yes. Observed: 1 variant allele.
Comment: ACMG Criteria: PVs1, M2_SUP